The following is an entry in ClinVar:

NM_003047.5(SLC9A1):c.315C>T (p.Ile105=)

Gene: SLC9A1 (solute carrier family 9 member A1; minus strand). Cytogenetic location: 1p36.11.
Variant type: single nucleotide variant.
Coding change: c.315C>T on transcript NM_003047.5 (MANE Select); coding-DNA position 315, C replaced by T.
Protein change: p.Ile105=; no amino-acid change (isoleucine 105 retained).
Molecular consequence: synonymous variant. On other transcripts: non-coding transcript variant (1).
Genome position (GRCh38, 1-based): chr1:27,154,020, G>A on the plus strand (C>T on the coding strand, the complement: SLC9A1 is on the minus strand). VCF-style: chr1-27154020-G-A. GRCh37 (hg19) VCF-style: chr1-27480511-G-A.
Identifiers: ClinVar variation 4872996 (VCV004872996.2).

ClinVar aggregate classification (germline): Likely benign (1 of 4 stars; one submission).

gnomAD v4.1: 3 of 1,589,222 alleles (0.00019%); highest among the groups gnomAD compares: Non-Finnish European, 0.00026%; no homozygotes.

Submission:

CeGaT Center for Human Genetics Tuebingen
Classification: Likely benign. Last evaluated: 2026-06-01. Review status: criteria provided, single submitter. Criteria: CeGaT Center For Human Genetics Tuebingen Variant Classification Criteria Version 2. Collection method: clinical testing. Allele origin: germline. Affected: yes. Observed: 1 variant allele.
Comment: SLC9A1: BP4, BP7